The following is an entry in ClinVar:

ClinVar aggregate classification (germline): Uncertain significance (1 of 4 stars; one submission).

Conditions:
Aicardi-Goutieres syndrome 6 (AGS6). Identifiers: Orphanet 51, MedGen C3539013, MONDO:0014007, OMIM 615010.
Symmetrical dyschromatosis of extremities (DSH). Also called: DYSCHROMATOSIS SYMMETRICA HEREDITARIA 1; RETICULATE ACROPIGMENTATION OF DOHI; SYMMETRIC DYSCHROMATOSIS OF THE EXTREMITIES; Dyschromatosis symmetrica hereditaria. Identifiers: Orphanet 41, MedGen C0406775, MONDO:0007483, OMIM 127400.

Allele frequency attached by ClinVar (database versions not stated): gnomAD exomes 0.00010 and 0.00018; gnomAD 0.00011; TOPMed 0.00008; ExAC 0.00014; 1000 Genomes Project 0.00020; ESP Exome Variant Server 0.00038; 1000 Genomes Project 30x 0.00016.

Submission:

Labcorp Genetics (formerly Invitae), Labcorp
Classification: Uncertain significance for Aicardi-Goutieres syndrome 6; Symmetrical dyschromatosis of extremities. Last evaluated: 2025-12-30. Review status: criteria provided, single submitter. Criteria: Invitae Variant Classification Sherloc (09022015). Collection method: clinical testing. Allele origin: germline.
Comment: This sequence change replaces tyrosine, which is neutral and polar, with cysteine, which is neutral and slightly polar, at codon 1134 of the ADAR protein (p.Tyr1134Cys). This variant is present in population databases (rs150284449, gnomAD 0.01%). This variant has not been reported in the literature in individuals affected with ADAR-related conditions. ClinVar contains an entry for this variant (Variation ID: 1482923). Invitae Evidence Modeling of protein sequence and biophysical properties (such as structural, functional, and spatial information, amino acid conservation, physicochemical variation, residue mobility, and thermodynamic stability) indicates that this missense variant is not expected to disrupt ADAR protein function with a negative predictive value of 80%. In summary, the available evidence is currently insufficient to determine the role of this variant in disease. Therefore, it has been classified as a Variant of Uncertain Significance.

NM_001111.5(ADAR):c.3401A>G (p.Tyr1134Cys)

Gene: ADAR (adenosine deaminase RNA specific; minus strand). Cytogenetic location: 1q21.3.
Variant type: single nucleotide variant.
Coding change: c.3401A>G on transcript NM_001111.5 (MANE Select); coding-DNA position 3401, A replaced by G.
Protein change: p.Tyr1134Cys; replaces tyrosine 1134 with cysteine.
Molecular consequence: missense variant.
Genome position (GRCh38, 1-based): chr1:154,585,259, T>C on the plus strand (A>G on the coding strand, the complement: ADAR is on the minus strand). VCF-style: chr1-154585259-T-C. GRCh37 (hg19) VCF-style: chr1-154557735-T-C.
Other names: c.2516A>G, p.Tyr839Cys (NM_001365047.1, NM_001365048.1, NM_001025107.3 and 2 more transcripts); c.2438A>G, p.Tyr813Cys (NM_001365049.1); c.3428A>G, p.Tyr1143Cys (NM_001365045.1); c.3323A>G, p.Tyr1108Cys (NM_015840.4); c.3266A>G, p.Tyr1089Cys (NM_015841.4); short protein forms Y1089C, Y1108C, Y1143C, Y839C, Y813C, Y1134C.
Identifiers: ClinVar variation 1482923 (VCV001482923.6), dbSNP rs150284449, ClinGen allele CA1130960.